The following is an entry in ClinVar:

ClinVar aggregate classification (germline): Uncertain significance (1 of 4 stars; one submission).

Conditions:
Developmental and epileptic encephalopathy, 60. Also called: EPILEPTIC ENCEPHALOPATHY, EARLY INFANTILE, 60. Identifiers: MedGen C4693663, MONDO:0033369, OMIM 617929.

gnomAD v4.1: 1 of 1,612,660 alleles (0.000062%); highest among the groups gnomAD compares: South Asian, 0.0011%; no homozygotes.

Submission:

3billion
Classification: Uncertain significance for Developmental and epileptic encephalopathy, 60. Last evaluated: 2025-07-01. Review status: criteria provided, single submitter. Criteria: ACMG Guidelines, 2015. Collection method: clinical testing. Allele origin: germline. Affected: yes.
Comment: The variant is observed at an extremely low frequency in the gnomAD v4.1.0 dataset (total allele frequency: <0.001%). Predicted Consequence/Location: Missense variant. The majority of the known disease-causing variants of this gene are variants expected to result in premature termination of the protein. In silico tool predictions suggest damaging effect of the variant on gene or gene product [REVEL: 0.82 (>=0.6, sensitivity 0.68 and specificity 0.92)]. The variant has been reported as of uncertain significance (PMID: 38074073). Therefore, this variant is classified as VUS according to the recommendation of ACMG/AMP guideline.

NM_006586.5(CNPY3):c.329A>G (p.Tyr110Cys)

Genes: CNPY3-GNMT (CNPY3-GNMT readthrough; plus strand), CNPY3 (canopy FGF signaling regulator 3; plus strand). Cytogenetic location: 6p21.1.
Variant type: single nucleotide variant.
Coding change: c.329A>G on transcript NM_006586.5 (MANE Select); coding-DNA position 329, A replaced by G.
Protein change: p.Tyr110Cys; replaces tyrosine 110 with cysteine.
Molecular consequence: missense variant. On other transcripts: 3 prime UTR variant (1), non-coding transcript variant (7), intron variant (3).
Genome position (GRCh38, 1-based): chr6:42,935,627, A>G. VCF-style: chr6-42935627-A-G. GRCh37 (hg19) VCF-style: chr6-42903365-A-G.
Other names: c.428A>G, p.Tyr143Cys (NM_001318842.1); c.62A>G, p.Tyr21Cys (NM_001318845.1); c.*40A>G (NM_001318847.2); c.329A>G, p.Tyr110Cys (NM_001318848.2); c.8+5906A>G (NM_001318856.2); c.151+5906A>G (NM_001318857.2, NM_001318858.2); short protein forms Y110C, Y143C, Y21C.
Identifiers: ClinVar variation 4854726 (VCV004854726.1).